The following is an entry in ClinVar:

NM_001008212.2(OPTN):c.275A>T (p.Glu92Val)

Genes: OPTN (optineurin; plus strand), LOC108903148 (10p13 OPTN distal Alu-mediated recombination region; plus strand). Cytogenetic location: 10p13.
Variant type: single nucleotide variant.
Coding change: c.275A>T on transcript NM_001008212.2 (MANE Select); coding-DNA position 275, A replaced by T.
Protein change: p.Glu92Val; replaces glutamic acid 92 with valine.
Molecular consequence: missense variant.
Genome position (GRCh38, 1-based): chr10:13,110,382, A>T. VCF-style: chr10-13110382-A-T. GRCh37 (hg19) VCF-style: chr10-13152382-A-T.
Other names: p.Glu92Val; c.275A>T, p.Glu92Val (NM_001008211.1, NM_001008213.1, NM_021980.4); short protein forms E92V.
Identifiers: ClinVar variation 523078 (VCV000523078.19), dbSNP rs202044898, ClinGen allele CA5410553.
Genomic context (GRCh38, chr10:13,110,382, plus strand): 5'-TTTCGGCCTGGACAGAGAAACAGAAGGAAGAACGCCAGTTTTTTGAGATACAGAGCAAAG[A>T]AGCAAAAGAGCGTCTAATGGCCTTGAGTCATGAGAATGAGAAATTGAAGGAAGAGCTTGG-3'
Protein context (NP_001008213.1, residues 82-102): ERQFFEIQSK[Glu92Val]AKERLMALSH

ClinVar aggregate classification (germline): Uncertain significance. Review status: criteria provided, multiple submitters, no conflicts (2 of 4 stars). 6 submissions from 6 submitters: Uncertain significance (6). Last evaluated 2026-02-11.

Conditions:
OPTN-related disorder. Also called: OPTN-related condition; OPTN-related disorders.
Amyotrophic lateral sclerosis type 12 (ALS12). Also called: AMYOTROPHIC LATERAL SCLEROSIS 12 WITH OR WITHOUT FRONTOTEMPORAL DEMENTIA. Identifiers: Orphanet 803, MedGen C3150692, MONDO:0013264, OMIM 613435.
Primary open angle glaucoma (POAG). Also called: OPTN-related open angle glaucoma. Identifiers: MedGen C0339573, MONDO:0100553, OMIM 137760.
Glaucoma 1, open angle, E. Identifiers: MedGen C1842026, MONDO:0007665.
Inborn genetic diseases. Identifiers: MedGen C0950123, MeSH D030342.
Amyotrophic lateral sclerosis (ALS). Also called: Lou Gehrig disease; Charcot disease. Identifiers: Orphanet 803, MedGen C0002736, MONDO:0004976, HP:0007354.

Allele frequency attached by ClinVar (database versions not stated): gnomAD 0.00003 and 0.00004; TOPMed 0.00003; gnomAD exomes 0.00005 and 0.00009; ExAC 0.00008; ESP Exome Variant Server 0.00015.
gnomAD v4.1: 81 of 1,614,172 alleles (0.005%); highest among the groups gnomAD compares: Middle Eastern, 0.099%; no homozygotes.

Submissions (6):

PreventionGenetics, part of Exact Sciences
Classification: Uncertain significance for OPTN-related condition. Last evaluated: 2026-02-11. Review status: criteria provided, single submitter. Criteria: ACMG Guidelines, 2015. Collection method: clinical testing. Allele origin: germline.
Comment: The OPTN c.275A>T variant is predicted to result in the amino acid substitution p.Glu92Val. To our knowledge, this variant has not been reported in the literature. This variant is reported in 0.039% of alleles in individuals of Ashkenazi Jewish descent in gnomAD. At this time, the clinical significance of this variant is uncertain due to the absence of conclusive functional and genetic evidence.

Labcorp Genetics (formerly Invitae), Labcorp
Classification: Uncertain significance for Primary open angle glaucoma; Glaucoma 1, open angle, E; Amyotrophic lateral sclerosis type 12. Last evaluated: 2024-01-19. Review status: criteria provided, single submitter. Criteria: Invitae Variant Classification Sherloc (09022015). Collection method: clinical testing. Allele origin: germline.
Comment: This sequence change replaces glutamic acid, which is acidic and polar, with valine, which is neutral and non-polar, at codon 92 of the OPTN protein (p.Glu92Val). This variant is present in population databases (rs202044898, gnomAD 0.04%). This variant has not been reported in the literature in individuals affected with OPTN-related conditions. ClinVar contains an entry for this variant (Variation ID: 523078). Advanced modeling of protein sequence and biophysical properties (such as structural, functional, and spatial information, amino acid conservation, physicochemical variation, residue mobility, and thermodynamic stability) has been performed at Invitae for this missense variant, however the output from this modeling did not meet the statistical confidence thresholds required to predict the impact of this variant on OPTN protein function. In summary, the available evidence is currently insufficient to determine the role of this variant in disease. Therefore, it has been classified as a Variant of Uncertain Significance.

Ambry Genetics
Classification: Uncertain significance for Inborn genetic diseases. Last evaluated: 2024-01-16. Review status: criteria provided, single submitter. Criteria: Ambry Variant Classification Scheme 2023. Collection method: clinical testing. Allele origin: germline.

Mayo Clinic Laboratories, Mayo Clinic
Classification: Uncertain significance. Last evaluated: 2023-08-24. Review status: criteria provided, single submitter. Criteria: ACMG Guidelines, 2015. Collection method: clinical testing. Allele origin: germline. Observed: 1 variant allele.

Genomic Research Center, Shahid Beheshti University of Medical Sciences
Classification: Uncertain significance for Amyotrophic lateral sclerosis. Last evaluated: 2017-12-18. Review status: criteria provided, single submitter. Criteria: ACMG Guidelines, 2015. Collection method: clinical testing. Allele origin: inherited. Affected: yes.

Breakthrough Genomics
Classification: Uncertain significance. Review status: criteria provided, single submitter. Criteria: ACMG Guidelines, 2015. Collection method: not provided. Allele origin: germline. Inheritance: Autosomal recessive inheritance. Affected: yes.